The following is an entry in ClinVar:

ClinVar aggregate classification (germline): Uncertain significance (1 of 4 stars; one submission).

Conditions:
Nemaline myopathy 6 (NEM6). Also called: Nemaline myopathy 6, autosomal dominant. Identifiers: Orphanet 171439, MedGen C1836472, MONDO:0012237, OMIM 609273.

Submission:

Labcorp Genetics (formerly Invitae), Labcorp
Classification: Uncertain significance for Nemaline myopathy 6. Last evaluated: 2022-08-23. Review status: criteria provided, single submitter. Criteria: Invitae Variant Classification Sherloc (09022015). Collection method: clinical testing. Allele origin: germline.
Comment: This variant has not been reported in the literature in individuals affected with KBTBD13-related conditions. In summary, the available evidence is currently insufficient to determine the role of this variant in disease. Therefore, it has been classified as a Variant of Uncertain Significance. Algorithms developed to predict the effect of missense changes on protein structure and function (SIFT, PolyPhen-2, Align-GVGD) all suggest that this variant is likely to be tolerated. This variant is not present in population databases (gnomAD no frequency). This sequence change replaces glutamic acid, which is acidic and polar, with aspartic acid, which is acidic and polar, at codon 144 of the KBTBD13 protein (p.Glu144Asp).

NM_001101362.3(KBTBD13):c.432G>C (p.Glu144Asp)

Gene: KBTBD13 (kelch repeat and BTB domain containing 13; plus strand). Cytogenetic location: 15q22.31.
Variant type: single nucleotide variant.
Coding change: c.432G>C on transcript NM_001101362.3 (MANE Select); coding-DNA position 432, G replaced by C.
Protein change: p.Glu144Asp; replaces glutamic acid 144 with aspartic acid.
Molecular consequence: missense variant.
Genome position (GRCh38, 1-based): chr15:65,077,247, G>C. VCF-style: chr15-65077247-G-C. GRCh37 (hg19) VCF-style: chr15-65369585-G-C.
Other names: short protein forms E144D.
Identifiers: ClinVar variation 1717455 (VCV001717455.5), dbSNP rs1392903810, ClinGen allele CA392860711.